The following is an entry in ClinVar:

ClinVar aggregate classification (germline): Uncertain significance. Review status: criteria provided, single submitter (1 of 4 stars). 2 submissions from 2 submitters: Uncertain significance (1). 1 of the submissions does not count toward it. Last evaluated 2019-03-30.

Conditions:
Familial cancer of breast. Also called: BREAST CANCER, FAMILIAL; Hereditary breast cancer; hereditary breast carcinoma. Identifiers: Orphanet 227535, MedGen C0346153, MONDO:0016419, OMIM 114480. Disease mechanism: loss of function.

Submissions (2):

Labcorp Genetics (formerly Invitae), Labcorp
Classification: Uncertain significance for Familial cancer of breast. Last evaluated: 2019-03-30. Review status: criteria provided, single submitter. Criteria: Invitae Variant Classification Sherloc (09022015). Collection method: clinical testing. Allele origin: germline.
Comment: This variant is not present in population databases (ExAC no frequency). This variant, c.2496_2513del, results in the deletion of 6 amino acid(s) of the PALB2 protein (p.His832_Glu837del), but otherwise preserves the integrity of the reading frame. Experimental studies and prediction algorithms are not available for this variant, and the functional significance of the affected amino acid(s) is currently unknown. This variant has not been reported in the literature in individuals with PALB2-related conditions. In summary, the available evidence is currently insufficient to determine the role of this variant in disease. Therefore, it has been classified as a Variant of Uncertain Significance.

Leiden Open Variation Database
Classification: Uncertain significance. Last evaluated: 2019-05-13. Review status: no assertion criteria provided. Collection method: curation. Allele origin: germline. Affected: yes. Not counted in ClinVar's aggregate classification.
Comment: Curators: Marc Tischkowitz, Arleen D. Auerbach. Submitter to LOVD: Andreas Laner.

NM_024675.4(PALB2):c.2496_2513del (p.His832_Glu837del)

Gene: PALB2 (partner and localizer of BRCA2; minus strand). Cytogenetic location: 16p12.2.
Variant type: Deletion.
Coding change: c.2496_2513del on transcript NM_024675.4 (MANE Select); coding-DNA positions 2496 to 2513, 18 bases deleted (TAAACATTCCGTCGAACA).
Protein change: p.His832_Glu837del.
Molecular consequence: inframe deletion.
Genome position (GRCh38, 1-based): chr16:23,629,641-23,629,658, TGTTCGACGGAATGTTTA deleted on the plus strand (TAAACATTCCGTCGAACA on the coding strand, the reverse complement: PALB2 is on the minus strand); deleting any 18 consecutive bases within chr16:23,629,641-23,629,660 gives the same sequence; the c. name uses the placement nearest the transcript's 3' end. VCF-style (leftmost placement, unchanged base first): chr16-23629640-CTGTTCGACGGAATGTTTA-C. GRCh37 (hg19) VCF-style: chr16-23640961-CTGTTCGACGGAATGTTTA-C.
Identifiers: ClinVar variation 830168 (VCV000830168.11), dbSNP rs1966855412, ClinGen allele CA916081830.